The following is an entry in ClinVar:

ClinVar aggregate classification (germline): Uncertain significance. Review status: criteria provided, multiple submitters, no conflicts (2 of 4 stars). 2 submissions from 2 submitters: Uncertain significance (2). Last evaluated 2023-03-10.

Conditions:
Inborn genetic diseases. Identifiers: MedGen C0950123, MeSH D030342.

Allele frequency attached by ClinVar (database versions not stated): TOPMed below 0.00001.
gnomAD v4.1: 3 of 1,614,040 alleles (0.00019%); highest among the groups gnomAD compares: Non-Finnish European, 0.00025%; no homozygotes.

Submissions (2):

Labcorp Genetics (formerly Invitae), Labcorp
Classification: Uncertain significance. Last evaluated: 2023-03-10. Review status: criteria provided, single submitter. Criteria: Invitae Variant Classification Sherloc (09022015). Collection method: clinical testing. Allele origin: germline.
Comment: In summary, the available evidence is currently insufficient to determine the role of this variant in disease. Therefore, it has been classified as a Variant of Uncertain Significance. Algorithms developed to predict the effect of sequence changes on RNA splicing suggest that this variant is not likely to affect RNA splicing. ClinVar contains an entry for this variant (Variation ID: 1959020). This variant has not been reported in the literature in individuals affected with COL4A1-related conditions. This variant is present in population databases (no rsID available, gnomAD 0.0009%). This sequence change affects codon 512 of the COL4A1 mRNA. It is a 'silent' change, meaning that it does not change the encoded amino acid sequence of the COL4A1 protein. It affects a nucleotide within the consensus splice site.

Ambry Genetics
Classification: Uncertain significance for Inborn genetic diseases. Last evaluated: 2021-10-07. Review status: criteria provided, single submitter. Criteria: Ambry Variant Classification Scheme 2023. Collection method: clinical testing. Allele origin: germline.
Comment: Occurs in the last base pair of the exon Based on insufficient or conflicting evidence, the clinical significance of this alteration remains unclear.

NM_001845.6(COL4A1):c.1536A>T (p.Pro512=)

Gene: COL4A1 (collagen type IV alpha 1 chain; minus strand). Cytogenetic location: 13q34.
Variant type: single nucleotide variant.
Coding change: c.1536A>T on transcript NM_001845.6 (MANE Select); coding-DNA position 1536, A replaced by T.
Protein change: p.Pro512=; no amino-acid change (proline 512 retained).
Molecular consequence: synonymous variant.
Genome position (GRCh38, 1-based): chr13:110,192,214, T>A on the plus strand (A>T on the coding strand, the complement: COL4A1 is on the minus strand). VCF-style: chr13-110192214-T-A. GRCh37 (hg19) VCF-style: chr13-110844561-T-A.
Other names: c.1536A>T, p.Pro512= (NM_001303110.2).
Identifiers: ClinVar variation 1959020 (VCV001959020.6), dbSNP rs1001741715, ClinGen allele CA256269098.
Genomic context (GRCh38, chr13:110,192,214, plus strand): 5'-CTGTCCACGTGCTTGGTGGCAACTTCTGATATGTACATGAACTCAGACAGGTTTACTTAC[T>A]GGCACTCCTGCAACACCATCTCTGCCAGGCAAACCTCTGTCGCCCTTGGCCCCTGGCTGC-3'
Protein context (NP_001836.3, residues 502-522): LPGRDGVAGV[Pro512=]GPQGTPGLIG